The following is an entry in ClinVar:

ClinVar aggregate classification (germline): Uncertain significance (1 of 4 stars; one submission).

Conditions:
Hereditary cancer-predisposing syndrome. Also called: Tumor predisposition; Hereditary neoplastic syndrome; Hereditary Cancer Syndrome; Neoplastic Syndromes, Hereditary. Identifiers: Orphanet 140162, MedGen C0027672, MeSH D009386, MONDO:0015356.

Submission:

Ambry Genetics
Classification: Uncertain significance for Hereditary cancer-predisposing syndrome. Last evaluated: 2025-04-06. Review status: criteria provided, single submitter. Criteria: Ambry Variant Classification Scheme 2023. Collection method: clinical testing. Allele origin: germline.
Comment: The p.V64I variant (also known as c.190G>A), located in coding exon 2 of the SMARCB1 gene, results from a G to A substitution at nucleotide position 190. The valine at codon 64 is replaced by isoleucine, an amino acid with highly similar properties. This amino acid position is conserved. In addition, the in silico prediction for this alteration is inconclusive. Based on the available evidence, the clinical significance of this variant remains unclear.

NM_003073.5(SMARCB1):c.190G>A (p.Val64Ile)

Gene: SMARCB1 (SWI/SNF related BAF chromatin remodeling complex subunit B1; plus strand). Cytogenetic location: 22q11.23.
Variant type: single nucleotide variant.
Coding change: c.190G>A on transcript NM_003073.5 (MANE Select); coding-DNA position 190, G replaced by A.
Protein change: p.Val64Ile; replaces valine 64 with isoleucine.
Molecular consequence: missense variant.
Genome position (GRCh38, 1-based): chr22:23,791,852, G>A. VCF-style: chr22-23791852-G-A. GRCh37 (hg19) VCF-style: chr22-24134039-G-A.
Other names: c.190G>A, p.Val64Ile (NM_001007468.3, NM_001317946.2, NM_001362877.2); short protein forms V64I.
Identifiers: ClinVar variation 3958520 (VCV003958520.1).